The following is an entry in ClinVar:

NM_005732.4(RAD50):c.2765T>C (p.Phe922Ser)

Gene: RAD50 (RAD50 double strand break repair protein; plus strand). Cytogenetic location: 5q31.1.
Variant type: single nucleotide variant.
Coding change: c.2765T>C on transcript NM_005732.4 (MANE Select); coding-DNA position 2765, T replaced by C.
Protein change: p.Phe922Ser; replaces phenylalanine 922 with serine.
Molecular consequence: missense variant.
Genome position (GRCh38, 1-based): chr5:132,608,661, T>C. VCF-style: chr5-132608661-T-C. GRCh37 (hg19) VCF-style: chr5-131944353-T-C.
Other names: short protein forms F922S.
Identifiers: ClinVar variation 408370 (VCV000408370.14), dbSNP rs1060501951, ClinGen allele CA16611981.
Genomic context (GRCh38, chr5:132,608,661, plus strand): 5'-TTTTATATTTTTAGGATGCTAAAGAGCAGGTAAGCCCTTTGGAAACAACATTGGAAAAGT[T>C]CCAGCAAGAAAAAGAAGAATTAATCAACAAAAAAAATACAAGCAACAAAATAGCACAGGA-3'
Protein context (NP_005723.2, residues 912-932): VSPLETTLEK[Phe922Ser]QQEKEELINK

ClinVar aggregate classification (germline): Uncertain significance. Review status: criteria provided, multiple submitters, no conflicts (2 of 4 stars). 2 submissions from 2 submitters: Uncertain significance (2). Last evaluated 2025-11-29.

Conditions:
Hereditary cancer-predisposing syndrome. Also called: Hereditary Cancer Syndrome; Hereditary neoplastic syndrome; Neoplastic Syndromes, Hereditary; Tumor predisposition. Identifiers: Orphanet 140162, MedGen C0027672, MeSH D009386, MONDO:0015356.

Allele frequency attached by ClinVar (database versions not stated): TOPMed below 0.00001.
gnomAD v4.1: 1 of 1,600,814 alleles (0.000062%); no homozygotes.

Submissions (2):

Ambry Genetics
Classification: Uncertain significance for Hereditary cancer-predisposing syndrome. Last evaluated: 2025-11-29. Review status: criteria provided, single submitter. Criteria: Ambry Variant Classification Scheme 2023. Collection method: clinical testing. Allele origin: germline.
Comment: The p.F922S variant (also known as c.2765T>C), located in coding exon 17 of the RAD50 gene, results from a T to C substitution at nucleotide position 2765. The phenylalanine at codon 922 is replaced by serine, an amino acid with highly dissimilar properties. This amino acid position is conserved. In addition, this alteration is predicted to be tolerated by in silico analysis. Since supporting evidence is limited at this time, the clinical significance of this alteration remains unclear.

Labcorp Genetics (formerly Invitae), Labcorp
Classification: Uncertain significance for Hereditary cancer-predisposing syndrome. Last evaluated: 2022-07-12. Review status: criteria provided, single submitter. Criteria: Invitae Variant Classification Sherloc (09022015). Collection method: clinical testing. Allele origin: germline.
Comment: Algorithms developed to predict the effect of missense changes on protein structure and function are either unavailable or do not agree on the potential impact of this missense change (SIFT: "Deleterious"; PolyPhen-2: "Benign"; Align-GVGD: "Class C0"). In summary, the available evidence is currently insufficient to determine the role of this variant in disease. Therefore, it has been classified as a Variant of Uncertain Significance. ClinVar contains an entry for this variant (Variation ID: 408370). This variant has not been reported in the literature in individuals affected with RAD50-related conditions. This variant is not present in population databases (gnomAD no frequency). This sequence change replaces phenylalanine, which is neutral and non-polar, with serine, which is neutral and polar, at codon 922 of the RAD50 protein (p.Phe922Ser).